The following is an entry in ClinVar:

NM_005592.4(MUSK):c.944_946delinsATA (p.Gly315_Tyr316delinsAspAsn)

Gene: MUSK (muscle associated receptor tyrosine kinase; plus strand). Cytogenetic location: 9q31.3.
Variant type: Indel.
Coding change: c.944_946delinsATA on transcript NM_005592.4 (MANE Select); coding-DNA positions 944 to 946, GCT replaced by ATA.
Protein change: p.Gly315_Tyr316delinsAspAsn.
Molecular consequence: missense variant. On other transcripts: 5 prime UTR variant (1), intron variant (2).
Genome position (GRCh38, 1-based): chr9:110,767,843-110,767,845, GCT replaced by ATA. VCF-style: chr9-110767843-GCT-ATA. GRCh37 (hg19) VCF-style: chr9-113530123-GCT-ATA.
Other names: c.-293_-291delinsATA (NM_001369398.1); c.950+5635_950+5637delinsATA (NM_001166280.2); c.920+5635_920+5637delinsATA (NM_001166281.2).
Identifiers: ClinVar variation 1462437 (VCV001462437.8), dbSNP rs2131955443, ClinGen allele CA2573143699.

ClinVar aggregate classification (germline): Uncertain significance (1 of 4 stars; one submission).

Conditions:
Congenital myasthenic syndrome 9. Also called: Myasthenic syndrome, congenital, 9, associated with acetylcholine receptor deficiency. Identifiers: Orphanet 590, MedGen C4225368, MONDO:0014587, OMIM 616325.
Fetal akinesia deformation sequence 1 (FADS1). Also called: Fetal akinesia sequence; Pena-Shokeir syndrome type I. Identifiers: Orphanet 994, MedGen C1276035, MONDO:0100101, OMIM 208150, HP:0001989.

Submission:

Labcorp Genetics (formerly Invitae), Labcorp
Classification: Uncertain significance for Congenital myasthenic syndrome 9; Fetal akinesia deformation sequence 1. Last evaluated: 2021-03-25. Review status: criteria provided, single submitter. Criteria: Invitae Variant Classification Sherloc (09022015). Collection method: clinical testing. Allele origin: germline.
Comment: In summary, the available evidence is currently insufficient to determine the role of this variant in disease. Therefore, it has been classified as a Variant of Uncertain Significance. Experimental studies and prediction algorithms are not available or were not evaluated, and the functional significance of this variant is currently unknown. This variant has not been reported in the literature in individuals with MUSK-related conditions. The frequency data for this variant in the population databases is not available, as this variant may be reported as separate entries in the ExAC database. This variant, c.944_946delinsATA, is a complex sequence change that results in the deletion of 2 and insertion of 2 amino acid(s) in the MUSK protein (p.Gly315_Tyr316delinsAspAsn).